The following is an entry in ClinVar:

ClinVar aggregate classification (germline): Likely benign (1 of 4 stars; one submission).

Allele frequency attached by ClinVar (database versions not stated): 1000 Genomes Project 30x 0.00344; 1000 Genomes Project 0.00359; gnomAD 0.00379 and 0.00412; TOPMed 0.00406.
gnomAD v4.1: 570 of 152,316 alleles (0.37%); highest among the groups gnomAD compares: African/African-American, 1.3%; 5 homozygotes.

Submission:

GeneDx
Classification: Likely benign. Last evaluated: 2018-06-18. Review status: criteria provided, single submitter. Criteria: GeneDx Variant Classification (06012015). Collection method: clinical testing. Allele origin: germline. Affected: yes.
Comment: This variant is considered likely benign or benign based on one or more of the following criteria: it is a conservative change, it occurs at a poorly conserved position in the protein, it is predicted to be benign by multiple in silico algorithms, and/or has population frequency not consistent with disease.

NM_000083.3(CLCN1):c.1931-200T>C

Gene: CLCN1 (chloride voltage-gated channel 1; plus strand). Cytogenetic location: 7q34.
Variant type: single nucleotide variant.
Coding change: c.1931-200T>C on transcript NM_000083.3 (MANE Select); 200 bases into the intron before coding-DNA position 1931, T replaced by C.
Molecular consequence: intron variant.
Genome position (GRCh38, 1-based): chr7:143,345,321, T>C. VCF-style: chr7-143345321-T-C. GRCh37 (hg19) VCF-style: chr7-143042414-T-C.
Identifiers: ClinVar variation 679595 (VCV000679595.1), dbSNP rs114008688, ClinGen allele CA168226350.